The following is an entry in ClinVar:

ClinVar aggregate classification (germline): Uncertain significance (1 of 4 stars; one submission).

Conditions:
Multiple endocrine neoplasia, type 2 (MEN2). Identifiers: Orphanet 653, MedGen C4048306, MONDO:0019003. Disease mechanism: gain of function.

Submission:

Labcorp Genetics (formerly Invitae), Labcorp
Classification: Uncertain significance for Multiple endocrine neoplasia, type 2. Last evaluated: 2025-06-24. Review status: criteria provided, single submitter. Criteria: Invitae Variant Classification Sherloc (09022015). Collection method: clinical testing. Allele origin: germline.
Comment: This sequence change replaces glutamine, which is neutral and polar, with histidine, which is basic and polar, at codon 187 of the RET protein (p.Gln187His). This variant is not present in population databases (gnomAD no frequency). This variant has not been reported in the literature in individuals affected with RET-related conditions. ClinVar contains an entry for this variant (Variation ID: 2699147). An algorithm developed to predict the effect of missense changes on protein structure and function (PolyPhen-2) suggests that this variant is likely to be tolerated. In summary, the available evidence is currently insufficient to determine the role of this variant in disease. Therefore, it has been classified as a Variant of Uncertain Significance.

NM_020975.6(RET):c.561G>T (p.Gln187His)

Gene: RET (ret proto-oncogene; plus strand). Cytogenetic location: 10q11.21.
Variant type: single nucleotide variant.
Coding change: c.561G>T on transcript NM_020975.6 (MANE Select); coding-DNA position 561, G replaced by T.
Protein change: p.Gln187His; replaces glutamine 187 with histidine.
Molecular consequence: missense variant. On other transcripts: intron variant (15).
Genome position (GRCh38, 1-based): chr10:43,102,565, G>T. VCF-style: chr10-43102565-G-T. GRCh37 (hg19) VCF-style: chr10-43598013-G-T.
Other names: c.432G>T, p.Gln144His (NM_001406783.1, NM_001406786.1, NM_001406761.1 and 4 more transcripts); c.561G>T, p.Gln187His (NM_001406785.1, NM_001406787.1, NM_020629.2 and 16 more transcripts); c.337+1843G>T (NM_001406770.1, NM_001406766.1, NM_001406767.1 and 8 more transcripts); c.74-6466G>T (NM_001406784.1); c.74-9534G>T (NM_001406794.1, NM_001406792.1, NM_001406793.1); short protein forms Q144H, Q187H.
Identifiers: ClinVar variation 2699147 (VCV002699147.3), dbSNP rs764162555, ClinGen allele CA376543498.